The following is an entry in ClinVar:

ClinVar aggregate classification (germline): Benign/Likely benign. Review status: criteria provided, multiple submitters, no conflicts (2 of 4 stars). 9 submissions from 9 submitters: Benign (1); Likely benign (7). 1 of the submissions does not count toward it. Last evaluated 2026-05-19.

Conditions:
Hereditary cancer-predisposing syndrome. Also called: Tumor predisposition; Neoplastic Syndromes, Hereditary; Hereditary Cancer Syndrome; Hereditary neoplastic syndrome. Identifiers: Orphanet 140162, MedGen C0027672, MeSH D009386, MONDO:0015356.
NF1-related disorder. Also called: NF1-related condition. Identifiers: MedGen CN379171.
Neurofibromatosis, type 1 (NF1). Also called: Neurofibromatosis, type I; Peripheral type neurofibromatosis; NEUROFIBROMATOSIS, TYPE I, SOMATIC; VON RECKLINGHAUSEN DISEASE. Identifiers: Orphanet 636, MedGen C0027831, MONDO:0018975, OMIM 162200. Disease mechanism: loss of function.

Allele frequency attached by ClinVar (database versions not stated): gnomAD exomes 0.00001; gnomAD 0.00002 and 0.00003; TOPMed 0.00003.
gnomAD v4.1: 12 of 1,603,156 alleles (0.00075%); highest among the groups gnomAD compares: African/African-American, 0.0013%; no homozygotes.

Submissions (9):

Myriad Genetics, Inc.
Classification: Benign for Neurofibromatosis, type 1. Last evaluated: 2026-05-19. Review status: criteria provided, single submitter. Criteria: Myriad Autosomal Dominant, Autosomal Recessive and X-Linked Classification Criteria (2023). Collection method: clinical testing. Allele origin: unknown.
Comment: This variant is considered benign. This variant is a silent/synonymous amino acid change and it is not expected to impact splicing.

Labcorp Genetics (formerly Invitae), Labcorp
Classification: Likely benign for Neurofibromatosis, type 1. Last evaluated: 2026-01-19. Review status: criteria provided, single submitter. Criteria: Invitae Variant Classification Sherloc (09022015). Collection method: clinical testing. Allele origin: germline.

Blueprint Genetics
Classification: Likely benign. Last evaluated: 2022-06-27. Review status: criteria provided, single submitter. Criteria: ACMG Guidelines, 2015. Collection method: clinical testing. Allele origin: germline.

Genome-Nilou Lab
Classification: Likely benign for Neurofibromatosis, type 1. Last evaluated: 2022-03-15. Review status: criteria provided, single submitter. Criteria: ACMG Guidelines, 2015. Collection method: clinical testing. Allele origin: germline. Affected: no.

GeneDx
Classification: Likely benign. Last evaluated: 2021-06-21. Review status: criteria provided, single submitter. Criteria: GeneDx Variant Classification Process June 2021. Collection method: clinical testing. Allele origin: germline. Affected: yes.

Women's Health and Genetics/Laboratory Corporation of America, LabCorp
Classification: Likely benign. Last evaluated: 2019-08-29. Review status: criteria provided, single submitter. Criteria: LabCorp Variant Classification Summary - May 2015. Collection method: clinical testing. Allele origin: germline.

Laboratory for Molecular Medicine, Mass General Brigham Personalized Medicine
Classification: Likely benign. Last evaluated: 2015-07-14. Review status: criteria provided, single submitter. Criteria: LMM Criteria. Collection method: clinical testing. Allele origin: germline. Observed: 1 variant allele.
Comment: p.Leu1454Leu in exon 33 of NF1: This variant is not expected to have clinical si gnificance because it does not alter an amino acid residue and is not located wi thin the splice consensus sequence.

Ambry Genetics
Classification: Likely benign for Hereditary cancer-predisposing syndrome. Last evaluated: 2015-01-18. Review status: criteria provided, single submitter. Criteria: Ambry Autosomal Dominant and X-Linked criteria (10/2015). Collection method: clinical testing. Allele origin: germline. Observed: 1 variant allele.

PreventionGenetics, part of Exact Sciences
Classification: Likely benign for NF1-related condition. Last evaluated: 2019-05-03. Review status: no assertion criteria provided. Collection method: clinical testing. Allele origin: germline. Not counted in ClinVar's aggregate classification.
Comment: This variant is classified as likely benign based on ACMG/AMP sequence variant interpretation guidelines (Richards et al. 2015 PMID: 25741868, with internal and published modifications).

NM_001042492.3(NF1):c.4362C>T (p.Leu1454=)

Gene: NF1 (neurofibromin 1; plus strand). Cytogenetic location: 17q11.2.
Variant type: single nucleotide variant.
Coding change: c.4362C>T on transcript NM_001042492.3 (MANE Select); coding-DNA position 4362, C replaced by T.
Protein change: p.Leu1454=; no amino-acid change (leucine 1454 retained).
Molecular consequence: synonymous variant.
Genome position (GRCh38, 1-based): chr17:31,259,061, C>T. VCF-style: chr17-31259061-C-T. GRCh37 (hg19) VCF-style: chr17-29586079-C-T.
Other names: c.4299C>T, p.Leu1433= (NM_000267.4).
Identifiers: ClinVar variation 219892 (VCV000219892.26), dbSNP rs864622298, ClinGen allele CA350042.
Genomic context (GRCh38, chr17:31,259,061, plus strand): 5'-TGATTATTTATAACCCTGTTTTATTGTGTAGATACTTCAGAGTATTGCCAATCATGTTCT[C>T]TTCACAAAAGAAGAACATATGCGGCCTTTCAATGATTTTGTGAAAAGCAACTTTGATGCA-3'
Protein context (NP_001035957.1, residues 1444-1464): KILQSIANHV[Leu1454=]FTKEEHMRPF